The following is an entry in ClinVar:

ClinVar aggregate classification (germline): Pathogenic/Likely pathogenic. Review status: criteria provided, multiple submitters, no conflicts (2 of 4 stars). 10 submissions from 10 submitters: Pathogenic (6); Likely pathogenic (3). 1 of the submissions does not count toward it. Last evaluated 2025-09-05.

Conditions:
Retinitis pigmentosa (RP). Identifiers: Orphanet 791, MedGen C0035334, MeSH D012174, MONDO:0019200, OMIM 268000. Inheritance: Autosomal dominant, autosomal recessive and X linked inheritance.
Retinitis pigmentosa 25 (RP25). Identifiers: Orphanet 791, MedGen C1864446, MONDO:0011272, OMIM 602772.
EYS-related disorder. Also called: EYS-related condition.

Allele frequency attached by ClinVar (database versions not stated): gnomAD exomes 0.00002; gnomAD 0.00003; TOPMed 0.00003; ExAC 0.00005.

Submissions (10):

Natera, Inc.
Classification: Likely pathogenic for Retinitis pigmentosa type 25. Last evaluated: 2025-09-05. Review status: criteria provided, single submitter. Criteria: Natera Variant Classification Schema (03/2026). Collection method: clinical testing. Allele origin: germline.
Comment: The c.8411dupT variant in EYS is a frameshift variant predicted to shift the reading frame beginning at codon 2805 and leads to a stop codon 7 codons downstream. This variant is expected to result in nonsense mediated decay, truncation, or a dysfunctional protein product. This variant is rare in the general population with a frequency below the threshold expected for the associated phenotype(s). Given the available evidence, this variant is classified as Likely Pathogenic.

Labcorp Genetics (formerly Invitae), Labcorp
Classification: Pathogenic. Last evaluated: 2025-07-21. Review status: criteria provided, single submitter. Criteria: Invitae Variant Classification Sherloc (09022015). Collection method: clinical testing. Allele origin: germline.
Comment: This sequence change creates a premature translational stop signal (p.Thr2805Asnfs*7) in the EYS gene. While this is not anticipated to result in nonsense mediated decay, it is expected to disrupt the last 340 amino acid(s) of the EYS protein. This variant is present in population databases (rs763028732, gnomAD 0.005%). This premature translational stop signal has been observed in individual(s) with retinitis pigmentosa (PMID: 29550188). ClinVar contains an entry for this variant (Variation ID: 552866). This variant disrupts a region of the EYS protein in which other variant(s) (p.Val3096Leufs*28) have been determined to be pathogenic (PMID: 24474277, 26261414, 29550188). This suggests that this is a clinically significant region of the protein, and that variants that disrupt it are likely to be disease-causing. For these reasons, this variant has been classified as Pathogenic.

Women's Health and Genetics/Laboratory Corporation of America, LabCorp
Classification: Pathogenic for Retinitis pigmentosa. Last evaluated: 2024-10-14. Review status: criteria provided, single submitter. Criteria: LabCorp Variant Classification Summary - May 2015. Collection method: clinical testing. Allele origin: germline.
Comment: Variant summary: EYS c.8411dupT (p.Thr2805AsnfsX7) results in a premature termination codon, predicted to cause a truncation of the encoded protein or absence of the protein. The variant allele was found at a frequency of 1.9e-05 in 157206 control chromosomes. A different variant resulting in the same protein change c.8413dupA (p.(Thr2805Asnfs*7) has been reported in individuals affected with Retinitis Pigmentosa example: PMID: 29550188 and is classified Pathogenic inClinVar (Variation ID: 2675293). Variants downstream of this position have been classified Pathogenic in ClinVar and by our lab. ClinVar contains an entry for this variant (Variation ID: 552866). Based on the evidence outlined above, the variant was classified as pathogenic.

Baylor Genetics
Classification: Likely pathogenic for Retinitis pigmentosa 25. Last evaluated: 2024-03-25. Review status: criteria provided, single submitter. Criteria: ACMG Guidelines, 2015. Collection method: clinical testing. Allele origin: unknown.

Blueprint Genetics
Classification: Pathogenic for EYS-related disorders. Last evaluated: 2023-05-18. Review status: criteria provided, single submitter. Criteria: ACMG Guidelines, 2015. Collection method: clinical testing. Allele origin: germline. Affected: yes. Observed: 5 variant alleles.

Revvity Omics, Revvity
Classification: Pathogenic for Retinitis pigmentosa 25. Last evaluated: 2022-10-20. Review status: criteria provided, single submitter. Criteria: ACMG Guidelines, 2015. Collection method: clinical testing. Allele origin: germline.

Mendelics
Classification: Pathogenic for Retinitis pigmentosa 25. Last evaluated: 2022-05-04. Review status: criteria provided, single submitter. Criteria: Mendelics Assertion Criteria 2019. Collection method: clinical testing. Allele origin: germline.

Fulgent Genetics
Classification: Likely pathogenic for Retinitis pigmentosa 25. Last evaluated: 2022-04-06. Review status: criteria provided, single submitter. Criteria: ACMG Guidelines, 2015. Collection method: clinical testing. Allele origin: unknown.

Ocular Genomics Institute, Massachusetts Eye and Ear
Classification: Pathogenic for Retinitis pigmentosa 25. Last evaluated: 2021-04-08. Review status: criteria provided, single submitter. Criteria: ACMG Guidelines, 2015. Collection method: research. Allele origin: germline. Affected: yes.
Comment: Through a review of available evidence we were able to apply the following criteria: PVS1, PM2, PS1. Based on this evidence we have classified this variant as Pathogenic.

Counsyl
Classification: Likely pathogenic for Retinitis pigmentosa 25. Last evaluated: 2017-07-12. Review status: no assertion criteria provided. Collection method: clinical testing. Allele origin: unknown. Not counted in ClinVar's aggregate classification.

Literature cited by the submitters: PubMed 29550188 (cited by Labcorp Genetics (formerly Invitae), Labcorp and Ocular Genomics Institute, Massachusetts Eye and Ear); PubMed 24474277 (cited by Labcorp Genetics (formerly Invitae), Labcorp); PubMed 26261414 (cited by Labcorp Genetics (formerly Invitae), Labcorp); PubMed 28704921 (cited by Ocular Genomics Institute, Massachusetts Eye and Ear).

NM_001142800.2(EYS):c.8411dup (p.Thr2805fs)

Genes: EYS (EGF-like photoreceptor maintenance factor; minus strand), PHF3 (PHD finger protein 3; plus strand). Cytogenetic location: 6q12.
Variant type: Duplication.
Coding change: c.8411dup on transcript NM_001142800.2 (MANE Select); coding-DNA position 8411, one base duplicated (T; older notation c.8411dupT).
Protein change: p.Thr2805fs; shifts the reading frame from threonine 2805.
Molecular consequence: frameshift variant. On other transcripts: 3 prime UTR variant (5).
Genome position (GRCh38, 1-based): chr6:63,721,620, A duplicated on the plus strand (T on the coding strand, the reverse complement: EYS is on the minus strand). VCF-style (leftmost placement, unchanged base first): chr6-63721619-T-TA. GRCh37 (hg19) VCF-style: chr6-64431515-T-TA.
Other names: c.*7912dup (NM_001290259.2, NM_001370348.2, NM_001370349.2 and 2 more transcripts); c.8474dup, p.Thr2826fs (NM_001292009.2); c.8411dupT (NM_001142800.2, NM_001142800.1); short protein forms T2805fs, T2826fs.
Identifiers: ClinVar variation 552866 (VCV000552866.24), dbSNP rs763028732, ClinGen allele CA3876711.